The following is an entry in ClinVar:

NM_020778.5(ALPK3):c.4515T>G (p.Tyr1505Ter)

Gene: ALPK3 (alpha kinase 3; plus strand). Cytogenetic location: 15q25.3.
Variant type: single nucleotide variant.
Coding change: c.4515T>G on transcript NM_020778.5 (MANE Select); coding-DNA position 4515, T replaced by G.
Protein change: p.Tyr1505Ter; replaces tyrosine 1505 with a stop codon.
Molecular consequence: nonsense.
Genome position (GRCh38, 1-based): chr15:84,864,457, T>G. VCF-style: chr15-84864457-T-G. GRCh37 (hg19) VCF-style: chr15-85407688-T-G.
Other names: short protein forms Y1505*.
Identifiers: ClinVar variation 2710962 (VCV002710962.3), dbSNP rs2505729570, ClinGen allele CA393364732.

ClinVar aggregate classification (germline): Pathogenic (1 of 4 stars; one submission).

Allele frequency attached by ClinVar (database versions not stated): gnomAD exomes below 0.00001.
gnomAD v4.1: 1 of 1,614,152 alleles (0.000062%); highest among the groups gnomAD compares: Non-Finnish European, 0.000085%; no homozygotes.

Submission:

Labcorp Genetics (formerly Invitae), Labcorp
Classification: Pathogenic. Last evaluated: 2024-01-24. Review status: criteria provided, single submitter. Criteria: Invitae Variant Classification Sherloc (09022015). Collection method: clinical testing. Allele origin: germline.
Comment: This sequence change creates a premature translational stop signal (p.Tyr1707*) in the ALPK3 gene. It is expected to result in an absent or disrupted protein product. Loss-of-function variants in ALPK3 are known to be pathogenic (PMID: 21441111, 26846950, 27106955, 34263907). This variant is not present in population databases (gnomAD no frequency). This variant has not been reported in the literature in individuals affected with ALPK3-related conditions. For these reasons, this variant has been classified as Pathogenic.

Literature cited by the submitters: PubMed 21441111; PubMed 26846950; PubMed 27106955; PubMed 34263907.